The following is an entry in ClinVar:

NM_000038.6(APC):c.5380G>C (p.Asp1794His)

Gene: APC (APC regulator of Wnt signaling pathway; plus strand). Cytogenetic location: 5q22.2.
Variant type: single nucleotide variant.
Coding change: c.5380G>C on transcript NM_000038.6 (MANE Select); coding-DNA position 5380, G replaced by C.
Protein change: p.Asp1794His; replaces aspartic acid 1794 with histidine.
Molecular consequence: missense variant.
Genome position (GRCh38, 1-based): chr5:112,840,974, G>C. VCF-style: chr5-112840974-G-C. GRCh37 (hg19) VCF-style: chr5-112176671-G-C.
Other names: c.5380G>C, p.Asp1794His (NM_001127510.3, NM_001354895.2); c.5326G>C, p.Asp1776His (NM_001127511.3); c.5434G>C, p.Asp1812His (NM_001354896.2); c.5410G>C, p.Asp1804His (NM_001354897.2); c.5305G>C, p.Asp1769His (NM_001354898.2); c.5296G>C, p.Asp1766His (NM_001354899.2); c.5257G>C, p.Asp1753His (NM_001354900.2); c.5203G>C, p.Asp1735His (NM_001354901.2); and 5 more; short protein forms D1511H, D1634H, D1668H, D1693H, D1703H, D1735H, D1753H, D1766H.
Identifiers: ClinVar variation 1057016 (VCV001057016.10), dbSNP rs1765939879, ClinGen allele CA16033087.

ClinVar aggregate classification (germline): Uncertain significance (1 of 4 stars; one submission).

Conditions:
Familial adenomatous polyposis 1 (FAP1). Also called: FAMILIAL ADENOMATOUS POLYPOSIS 1, ATTENUATED; POLYPOSIS, ADENOMATOUS INTESTINAL. Identifiers: MedGen C2713442, MONDO:0021056, OMIM 175100. Disease mechanism: loss of function.

Submission:

Labcorp Genetics (formerly Invitae), Labcorp
Classification: Uncertain significance for Familial adenomatous polyposis 1. Last evaluated: 2024-04-15. Review status: criteria provided, single submitter. Criteria: Invitae Variant Classification Sherloc (09022015). Collection method: clinical testing. Allele origin: germline.
Comment: This sequence change replaces aspartic acid, which is acidic and polar, with histidine, which is basic and polar, at codon 1794 of the APC protein (p.Asp1794His). This variant is not present in population databases (gnomAD no frequency). This variant has not been reported in the literature in individuals affected with APC-related conditions. ClinVar contains an entry for this variant (Variation ID: 1057016). Advanced modeling of protein sequence and biophysical properties (such as structural, functional, and spatial information, amino acid conservation, physicochemical variation, residue mobility, and thermodynamic stability) performed at Invitae indicates that this missense variant is not expected to disrupt APC protein function with a negative predictive value of 95%. In summary, the available evidence is currently insufficient to determine the role of this variant in disease. Therefore, it has been classified as a Variant of Uncertain Significance.